The following is an entry in ClinVar:

ClinVar aggregate classification (germline): Likely benign (1 of 4 stars; one submission).

Conditions:
PEAK1-related disorder. Also called: PEAK1-related condition.

gnomAD v4.1: 22 of 1,613,970 alleles (0.0014%); highest among the groups gnomAD compares: Non-Finnish European, 0.0018%; no homozygotes.

Submission:

PreventionGenetics, part of Exact Sciences
Classification: Likely benign for PEAK1-related condition. Last evaluated: 2026-03-12. Review status: criteria provided, single submitter. Criteria: ACMG Guidelines, 2015. Collection method: clinical testing. Allele origin: germline.
Comment: This variant is classified as likely benign based on ACMG/AMP sequence variant interpretation guidelines (Richards et al. 2015 PMID: 25741868, with internal and published modifications).

NM_001385026.1(PEAK1):c.1200A>C (p.Ser400=)

Gene: PEAK1 (pseudopodium enriched atypical kinase 1; minus strand). Cytogenetic location: 15q24.3.
Variant type: single nucleotide variant.
Coding change: c.1200A>C on transcript NM_001385026.1 (MANE Select); coding-DNA position 1200, A replaced by C.
Protein change: p.Ser400=; no amino-acid change (serine 400 retained).
Molecular consequence: synonymous variant.
Genome position (GRCh38, 1-based): chr15:77,180,727, T>G on the plus strand (A>C on the coding strand, the complement: PEAK1 is on the minus strand). VCF-style: chr15-77180727-T-G. GRCh37 (hg19) VCF-style: chr15-77473069-T-G.
Other names: c.1200A>C, p.Ser400= (NM_001385027.1, NM_001387085.1, NM_001387086.1 and 1 more transcripts).
Identifiers: ClinVar variation 4985925 (VCV004985925.1).